The following is an entry in ClinVar:

ClinVar aggregate classification (germline): Pathogenic/Likely pathogenic. Review status: criteria provided, multiple submitters, no conflicts (2 of 4 stars). 2 submissions from 2 submitters: Pathogenic (1); Likely pathogenic (1). Last evaluated 2025-01-15.

Conditions:
Bardet-Biedl syndrome 7 (BBS7). Identifiers: Orphanet 110, MedGen C1859565, MONDO:0014435, OMIM 615984.
Bardet-Biedl syndrome (BBS). Identifiers: Orphanet 110, MedGen C0752166, MONDO:0015229.

Allele frequency attached by ClinVar (database versions not stated): gnomAD exomes below 0.00001.
gnomAD v4.1: 2 of 1,612,156 alleles (0.00012%); highest among the groups gnomAD compares: East Asian, 0.0045%; no homozygotes.

Submissions (2):

Labcorp Genetics (formerly Invitae), Labcorp
Classification: Pathogenic for Bardet-Biedl syndrome. Last evaluated: 2025-01-15. Review status: criteria provided, single submitter. Criteria: Invitae Variant Classification Sherloc (09022015). Collection method: clinical testing. Allele origin: germline.
Comment: This sequence change affects an acceptor splice site in intron 17 of the BBS7 gene. It is expected to disrupt RNA splicing. Variants that disrupt the donor or acceptor splice site typically lead to a loss of protein function (PMID: 16199547), and loss-of-function variants in BBS7 are known to be pathogenic (PMID: 12567324, 19402160, 21209035, 31196119). This variant is present in population databases (no rsID available, gnomAD 0.006%). Disruption of this splice site has been observed in individual(s) with clinical features of Bardet-Biedl syndrome (internal data). In at least one individual the data is consistent with being in trans (on the opposite chromosome) from a pathogenic variant. ClinVar contains an entry for this variant (Variation ID: 375301). Algorithms developed to predict the effect of sequence changes on RNA splicing suggest that this variant may disrupt the consensus splice site. For these reasons, this variant has been classified as Pathogenic.

Shenzhen Institute of Pediatrics, Shenzhen Children's Hospital
Classification: Likely pathogenic for Bardet-Biedl syndrome 7. Last evaluated: 2016-09-21. Review status: criteria provided, single submitter. Criteria: ACMG Guidelines, 2015. Collection method: clinical testing. Allele origin: unknown. Inheritance: Autosomal recessive inheritance. Affected: no. Observed: 1 variant allele, 1 heterozygote.

Literature cited by the submitters: PubMed 16199547 (cited by Labcorp Genetics (formerly Invitae), Labcorp); PubMed 12567324 (cited by Labcorp Genetics (formerly Invitae), Labcorp); PubMed 19402160 (cited by Labcorp Genetics (formerly Invitae), Labcorp); PubMed 21209035 (cited by Labcorp Genetics (formerly Invitae), Labcorp); PubMed 31196119 (cited by Labcorp Genetics (formerly Invitae), Labcorp).

NM_176824.3(BBS7):c.1891-2A>C

Gene: BBS7 (Bardet-Biedl syndrome 7; minus strand). Cytogenetic location: 4q27.
Variant type: single nucleotide variant.
Coding change: c.1891-2A>C on transcript NM_176824.3 (MANE Select); the canonical splice acceptor site of the intron before coding-DNA position 1891, A replaced by C.
Molecular consequence: splice acceptor variant.
Genome position (GRCh38, 1-based): chr4:121,828,271, T>G on the plus strand (A>C on the coding strand, the complement: BBS7 is on the minus strand). VCF-style: chr4-121828271-T-G. GRCh37 (hg19) VCF-style: chr4-122749426-T-G.
Other names: c.1891-2A>C (NM_018190.4).
Identifiers: ClinVar variation 375301 (VCV000375301.13), dbSNP rs1057519027, ClinGen allele CA16044049.
Genomic context (GRCh38, chr4:121,828,271, plus strand): 5'-AGAATACAGTGATATTCTGGTATCAGAAAGTTCGTATTTCCCTCATGAATCTGTAATTCC[T>G]ATTTAAAATGAAAAACAGAAGCACCTTAATATTCAAAATTCAATCCAATGTAATGTTAAA-3'